The following is an entry in ClinVar:

NM_000701.8(ATP1A1):c.2660G>A (p.Arg887Gln)

Genes: ATP1A1 (ATPase Na+/K+ transporting subunit alpha 1; plus strand), ATP1A1-AS1 (ATP1A1 antisense RNA 1; minus strand). Cytogenetic location: 1p13.1.
Variant type: single nucleotide variant.
Coding change: c.2660G>A on transcript NM_000701.8 (MANE Select); coding-DNA position 2660, G replaced by A.
Protein change: p.Arg887Gln; replaces arginine 887 with glutamine.
Molecular consequence: missense variant. On other transcripts: non-coding transcript variant (2).
Genome position (GRCh38, 1-based): chr1:116,400,948, G>A. VCF-style: chr1-116400948-G-A. GRCh37 (hg19) VCF-style: chr1-116943570-G-A.
Other names: c.2660G>A, p.Arg887Gln (NM_001160233.2); c.2567G>A, p.Arg856Gln (NM_001160234.2); short protein forms R856Q, R887Q.
Identifiers: ClinVar variation 1700229 (VCV001700229.6), dbSNP rs2101066038, ClinGen allele CA341775022.

ClinVar aggregate classification (germline): Conflicting classifications of pathogenicity. Review status: criteria provided, conflicting classifications (1 of 4 stars). 2 submissions from 2 submitters: Likely pathogenic (1); Uncertain significance (1). Last evaluated 2022-01-17.

Conditions:
Hypomagnesemia, seizures, and impaired intellectual development 2. Also called: Hypomagnesemia, seizures, and intellectual disability 2. Identifiers: MedGen C5193023, MONDO:0020788, OMIM 618314.

Submissions (2):

Labcorp Genetics (formerly Invitae), Labcorp
Classification: Uncertain significance. Last evaluated: 2022-01-17. Review status: criteria provided, single submitter. Criteria: Invitae Variant Classification Sherloc (09022015). Collection method: clinical testing. Allele origin: germline.
Comment: In summary, the available evidence is currently insufficient to determine the role of this variant in disease. Therefore, it has been classified as a Variant of Uncertain Significance. Advanced modeling of protein sequence and biophysical properties (such as structural, functional, and spatial information, amino acid conservation, physicochemical variation, residue mobility, and thermodynamic stability) performed at Invitae indicates that this missense variant is expected to disrupt ATP1A1 protein function. This variant has not been reported in the literature in individuals affected with ATP1A1-related conditions. This variant is not present in population databases (gnomAD no frequency). This sequence change replaces arginine, which is basic and polar, with glutamine, which is neutral and polar, at codon 887 of the ATP1A1 protein (p.Arg887Gln).

Centre de Biologie Pathologie Génétique, Centre Hospitalier Universitaire de Lille
Classification: Likely pathogenic for Hypomagnesemia, seizures, and impaired intellectual development 2. Review status: criteria provided, single submitter. Criteria: ACMG Guidelines, 2015. Collection method: clinical testing. Allele origin: de novo. Affected: yes.